The following is an entry in ClinVar:

NM_001099922.3(ALG13):c.3251_3253del (p.Ser1084del)

Gene: ALG13 (ALG13 UDP-N-acetylglucosaminyltransferase subunit; plus strand). Cytogenetic location: Xq23.
Variant type: Deletion.
Coding change: c.3251_3253del on transcript NM_001099922.3 (MANE Select); coding-DNA positions 3251 to 3253, 3 bases deleted (CCT; older notation c.3251_3253delCCT).
Protein change: p.Ser1084del; deletes serine 1084.
Molecular consequence: non-coding transcript variant (on NR_148693.2).
Genome position (GRCh38, 1-based): chrX:111,759,836-111,759,838, CCT deleted; deleting any 3 consecutive bases within chrX:111,759,834-111,759,838 gives the same sequence; the c. name uses the placement nearest the transcript's 3' end. VCF-style (leftmost placement, unchanged base first): chrX-111759833-ACTC-A. GRCh37 (hg19) VCF-style: chrX-111003061-ACTC-A.
Other names: c.2702_2704del, p.Ser901del (NM_001257230.2, NM_001257234.2, NM_001257237.2); c.3017_3019del, p.Ser1006del (NM_001257231.2); c.3014_3016del, p.Ser1005del (NM_001324292.2); c.2528_2530del, p.Ser843del (NM_001324293.1); short protein forms S1084del, S843del, S901del, S1005del, S1006del.
Identifiers: ClinVar variation 3630742 (VCV003630742.1).

ClinVar aggregate classification (germline): Uncertain significance (1 of 4 stars; one submission).

Conditions:
Developmental and epileptic encephalopathy, 36 (DEE36). Also called: Epileptic encephalopathy, early infantile, 36; Congenital disorder of glycosylation, type Is; ALG13-CDG. Identifiers: Orphanet 324422, MedGen C4317295, MONDO:0010472, OMIM 300884.

Submission:

Labcorp Genetics (formerly Invitae), Labcorp
Classification: Uncertain significance for Developmental and epileptic encephalopathy, 36. Last evaluated: 2024-11-09. Review status: criteria provided, single submitter. Criteria: Invitae Variant Classification Sherloc (09022015). Collection method: clinical testing. Allele origin: germline.
Comment: This variant, c.3251_3253del, results in the deletion of 1 amino acid(s) of the ALG13 protein (p.Ser1084del), but otherwise preserves the integrity of the reading frame. This variant is not present in population databases (gnomAD no frequency). This variant has not been reported in the literature in individuals affected with ALG13-related conditions. Experimental studies and prediction algorithms are not available or were not evaluated, and the functional significance of this variant is currently unknown. In summary, the available evidence is currently insufficient to determine the role of this variant in disease. Therefore, it has been classified as a Variant of Uncertain Significance.